The following is an entry in ClinVar:

ClinVar aggregate classification (germline): Uncertain significance (1 of 4 stars; one submission).

Allele frequency attached by ClinVar (database versions not stated): gnomAD exomes below 0.00001.
gnomAD v4.1: 1 of 1,542,558 alleles (0.000065%); highest among the groups gnomAD compares: Non-Finnish European, 0.000088%; no homozygotes.

Submission:

Labcorp Genetics (formerly Invitae), Labcorp
Classification: Uncertain significance. Last evaluated: 2021-06-13. Review status: criteria provided, single submitter. Criteria: Invitae Variant Classification Sherloc (09022015). Collection method: clinical testing. Allele origin: germline.
Comment: In summary, the available evidence is currently insufficient to determine the role of this variant in disease. Therefore, it has been classified as a Variant of Uncertain Significance. Algorithms developed to predict the effect of missense changes on protein structure and function are either unavailable or do not agree on the potential impact of this missense change (SIFT: "Not Available"; PolyPhen-2: "Probably Damaging"; Align-GVGD: "Not Available"). This variant has not been reported in the literature in individuals with UNC80-related conditions. This variant is not present in population databases (ExAC no frequency). This sequence change replaces glycine with aspartic acid at codon 2917 of the UNC80 protein (p.Gly2917Asp). The glycine residue is weakly conserved and there is a moderate physicochemical difference between glycine and aspartic acid.

NM_001371986.1(UNC80):c.8948G>A (p.Gly2983Asp)

Gene: UNC80 (unc-80 subunit of NALCN channel complex; plus strand). Cytogenetic location: 2q34.
Variant type: single nucleotide variant.
Coding change: c.8948G>A on transcript NM_001371986.1 (MANE Select); coding-DNA position 8948, G replaced by A.
Protein change: p.Gly2983Asp; replaces glycine 2983 with aspartic acid.
Molecular consequence: missense variant.
Genome position (GRCh38, 1-based): chr2:209,978,538, G>A. VCF-style: chr2-209978538-G-A. GRCh37 (hg19) VCF-style: chr2-210843262-G-A.
Other names: c.8750G>A, p.Gly2917Asp (NM_032504.2); c.8735G>A, p.Gly2912Asp (NM_182587.4); short protein forms G2917D, G2983D, G2912D.
Identifiers: ClinVar variation 1360719 (VCV001360719.8), dbSNP rs1316752442, ClinGen allele CA350414398.